The following is an entry in ClinVar:

NM_024537.4(CARS2):c.920-18C>T

Gene: CARS2 (cysteinyl-tRNA synthetase 2, mitochondrial; minus strand). Cytogenetic location: 13q34.
Variant type: single nucleotide variant.
Coding change: c.920-18C>T on transcript NM_024537.4 (MANE Select); 18 bases into the intron before coding-DNA position 920, C replaced by T.
Molecular consequence: intron variant. On other transcripts: 3 prime UTR variant (1).
Genome position (GRCh38, 1-based): chr13:110,663,536, G>A on the plus strand (C>T on the coding strand, the complement: CARS2 is on the minus strand). VCF-style: chr13-110663536-G-A. GRCh37 (hg19) VCF-style: chr13-111315883-G-A.
Other names: c.*374C>T (NM_001352253.3); c.134-18C>T (NM_001352252.2).
Identifiers: ClinVar variation 382471 (VCV000382471.1), dbSNP rs1057521365, ClinGen allele CA16606750.

ClinVar aggregate classification (germline): Likely benign (1 of 4 stars; one submission).

gnomAD v4.1: 1 of 1,613,018 alleles (0.000062%); highest among the groups gnomAD compares: Admixed American, 0.0017%; no homozygotes.

Submission:

GeneDx
Classification: Likely benign. Last evaluated: 2016-02-17. Review status: criteria provided, single submitter. Criteria: GeneDx Variant Classification (06012015). Collection method: clinical testing. Allele origin: germline. Affected: yes.
Comment: This variant is considered likely benign or benign based on one or more of the following criteria: it is a conservative change, it occurs at a poorly conserved position in the protein, it is predicted to be benign by multiple in silico algorithms, and/or has population frequency not consistent with disease.